The following is an entry in ClinVar:

NM_001360.3(DHCR7):c.1005G>A (p.Pro335=)

Gene: DHCR7 (7-dehydrocholesterol reductase; minus strand). Cytogenetic location: 11q13.4.
Variant type: single nucleotide variant.
Coding change: c.1005G>A on transcript NM_001360.3 (MANE Select); coding-DNA position 1005, G replaced by A.
Protein change: p.Pro335=; no amino-acid change (proline 335 retained).
Molecular consequence: synonymous variant.
Genome position (GRCh38, 1-based): chr11:71,435,798, C>T on the plus strand (G>A on the coding strand, the complement: DHCR7 is on the minus strand). VCF-style: chr11-71435798-C-T. GRCh37 (hg19) VCF-style: chr11-71146844-C-T.
Other names: c.1005G>A, p.Pro335= (NM_001163817.2); c.1005G>A (NM_001360.2).
Identifiers: ClinVar variation 593146 (VCV000593146.14), dbSNP rs768765843, ClinGen allele CA6162336.

ClinVar aggregate classification (germline): Conflicting classifications of pathogenicity. Review status: criteria provided, conflicting classifications (1 of 4 stars). 4 submissions from 4 submitters: Uncertain significance (1); Likely benign (3). Last evaluated 2026-01-11.

Conditions:
Smith-Lemli-Opitz syndrome (SLOS). Also called: POLYDACTYLY, SEX REVERSAL, RENAL HYPOPLASIA, AND UNILOBAR LUNG; RSH SYNDROME; RUTLEDGE LETHAL MULTIPLE CONGENITAL ANOMALY SYNDROME; 7-Dehydrocholesterol reductase deficiency; LETHAL ACRODYSGENITAL SYNDROME. Identifiers: Orphanet 818, MedGen C0175694, MONDO:0010035, OMIM 270400.
DHCR7-related disorder. Also called: DHCR7-related condition.

Allele frequency attached by ClinVar (database versions not stated): gnomAD exomes 0.00005; ExAC 0.00009; gnomAD 0.00002.
gnomAD v4.1: 81 of 1,606,774 alleles (0.005%); highest among the groups gnomAD compares: Middle Eastern, 0.016%; no homozygotes.

Submissions (4):

Labcorp Genetics (formerly Invitae), Labcorp
Classification: Likely benign for Smith-Lemli-Opitz syndrome. Last evaluated: 2026-01-11. Review status: criteria provided, single submitter. Criteria: Invitae Variant Classification Sherloc (09022015). Collection method: clinical testing. Allele origin: germline.

PreventionGenetics, part of Exact Sciences
Classification: Likely benign for DHCR7-related condition. Last evaluated: 2025-10-17. Review status: criteria provided, single submitter. Criteria: ACMG Guidelines, 2015. Collection method: clinical testing. Allele origin: germline.
Comment: This variant is classified as likely benign based on ACMG/AMP sequence variant interpretation guidelines (Richards et al. 2015 PMID: 25741868, with internal and published modifications).

Blueprint Genetics
Classification: Likely benign. Last evaluated: 2024-03-05. Review status: criteria provided, single submitter. Criteria: ACMG Guidelines, 2015. Collection method: clinical testing. Allele origin: germline.

Eurofins Ntd Llc (ga)
Classification: Uncertain significance. Last evaluated: 2017-07-07. Review status: criteria provided, single submitter. Criteria: EGL Classification Definitions 2015. Collection method: clinical testing. Allele origin: germline. Observed: 1 variant allele, 1 heterozygote.